The following is an entry in ClinVar:

ClinVar aggregate classification (germline): Uncertain significance (1 of 4 stars; one submission).

Submission:

GeneDx
Classification: Uncertain significance. Last evaluated: 2025-10-07. Review status: criteria provided, single submitter. Criteria: GeneDx Variant Classification Process June 2021. Collection method: clinical testing. Allele origin: germline.
Comment: Not observed at significant frequency in large population cohorts (gnomAD); In silico analysis supports that this missense variant has a deleterious effect on protein structure/function; Has not been previously published as pathogenic or benign to our knowledge; This variant is associated with the following publications: (PMID: 26100331, 25609763, 25512093)

NM_001376.5(DYNC1H1):c.4962C>A (p.Phe1654Leu)

Gene: DYNC1H1 (dynein cytoplasmic 1 heavy chain 1; plus strand). Cytogenetic location: 14q32.31.
Variant type: single nucleotide variant.
Coding change: c.4962C>A on transcript NM_001376.5 (MANE Select); coding-DNA position 4962, C replaced by A.
Protein change: p.Phe1654Leu; replaces phenylalanine 1654 with leucine.
Molecular consequence: missense variant.
Genome position (GRCh38, 1-based): chr14:102,004,596, C>A. VCF-style: chr14-102004596-C-A. GRCh37 (hg19) VCF-style: chr14-102470933-C-A.
Other names: short protein forms F1654L.
Identifiers: ClinVar variation 3359732 (VCV003359732.2).